The following is an entry in ClinVar:

NM_000548.5(TSC2):c.1096_1097delinsCG (p.Glu366Arg)

Gene: TSC2 (TSC complex subunit 2; plus strand). Cytogenetic location: 16p13.3.
Variant type: Indel.
Coding change: c.1096_1097delinsCG on transcript NM_000548.5 (MANE Select); coding-DNA positions 1096 to 1097, GA replaced by CG.
Protein change: p.Glu366Arg; replaces glutamic acid 366 with arginine.
Molecular consequence: missense variant. On other transcripts: 5 prime UTR variant (10), non-coding transcript variant (5).
Genome position (GRCh38, 1-based): chr16:2,060,790-2,060,791, GA replaced by CG. VCF-style: chr16-2060790-GA-CG. GRCh37 (hg19) VCF-style: chr16-2110791-GA-CG.
Other names: c.985_986delinsCG, p.Glu329Arg (NM_001406678.1, NM_001318827.2, NM_001406670.1); c.949_950delinsCG, p.Glu317Arg (NM_001406679.1, NM_001318829.2, NM_001406675.1 and 1 more transcripts); c.496_497delinsCG, p.Glu166Arg (NM_001406680.1, NM_001406686.1, NM_001406687.1 and 6 more transcripts); c.634_635delinsCG, p.Glu212Arg (NM_001406681.1); c.1096_1097delinsCG, p.Glu366Arg (NM_001077183.3, NM_001114382.3, NM_001363528.2 and 6 more transcripts); c.1129_1130delinsCG, p.Glu377Arg (NM_001318832.2); c.1186_1187delinsCG, p.Glu396Arg (NM_001406667.1, NM_001406668.1); c.1084_1085delinsCG, p.Glu362Arg (NM_001406671.1, NM_001406673.1); and 4 more; short protein forms E366R, E396R, E329R, E212R, E362R, E377R, E166R, E317R.
Identifiers: ClinVar variation 3462567 (VCV003462567.1).

ClinVar aggregate classification (germline): Uncertain significance (1 of 4 stars; one submission).

Conditions:
Hereditary cancer-predisposing syndrome. Also called: Tumor predisposition; Neoplastic Syndromes, Hereditary; Hereditary neoplastic syndrome; Hereditary Cancer Syndrome. Identifiers: Orphanet 140162, MedGen C0027672, MeSH D009386, MONDO:0015356.

Submission:

Ambry Genetics
Classification: Uncertain significance for Hereditary cancer-predisposing syndrome. Last evaluated: 2024-06-28. Review status: criteria provided, single submitter. Criteria: Ambry Variant Classification Scheme 2023. Collection method: clinical testing. Allele origin: germline.
Comment: The c.1096_1097delGAinsCG variant (also known as p.E366R), located in coding exon 10 of the TSC2 gene, results from an in-frame deletion of GA and insertion of CG at nucleotide positions 1096 to 1097. This results in the substitution of the glutamic acid residue for an arginine residue at codon 366, an amino acid with similar properties. This amino acid position is highly conserved in available vertebrate species. In addition, the in silico prediction for this alteration is inconclusive (Choi Y et al. PLoS ONE. 2012; 7(10):e46688). Based on the available evidence, the clinical significance of this variant remains unclear.